The following is an entry in ClinVar:

NM_000092.5:c.(1987+1_1988-1)_(2056+1_2057-1)del

Gene: COL4A4 (collagen type IV alpha 4 chain; minus strand).
Variant type: Deletion.
Other names: c.(1987+1_1988-1)_(2056+1_2057-1)del (NM_000092.5).
Identifiers: ClinVar variation 4884684 (VCV004884684.1).

ClinVar aggregate classification (germline): Pathogenic (1 of 4 stars; one submission).

Conditions:
Autosomal dominant Alport syndrome (ATS3A). Also called: Alport syndrome dominant type; Renal failure and sensorineural hearing loss; ALPORT SYNDROME 3A, AUTOSOMAL DOMINANT. Identifiers: Orphanet 63, Orphanet 88918, MedGen C5882663, MONDO:0007086, OMIM 104200.

Submission:

Centre de Génétique Humaine, Institut de Pathologie Et de Génétique
Classification: Pathogenic for Autosomal dominant Alport syndrome. Last evaluated: 2026-04-10. Review status: criteria provided, single submitter. Criteria: ACMG Guidelines, 2015. Collection method: clinical testing. Allele origin: paternal, germline. Inheritance: Autosomal dominant inheritance. Affected: yes. Observed: 3 variant alleles, 3 heterozygotes. Clinical features observed: Microscopic hematuria (HP:0002907), Proteinuria (HP:0000093), Stage 1 chronic kidney disease (HP:0012623), Glomerular basement membrane lamellation (HP:0030034). Segregation with disease observed.
Comment: Intragenic deletion of coding region - collagenous domain (one exon) (2E: 0.9). CNV segregates with a consistent phenotype observed in the patient’s family (5D:0.15)